The following is an entry in ClinVar:

NM_032607.3(CREB3L3):c.1042G>A (p.Glu348Lys)

Gene: CREB3L3 (cAMP responsive element binding protein 3 like 3; plus strand). Cytogenetic location: 19p13.3.
Variant type: single nucleotide variant.
Coding change: c.1042G>A on transcript NM_032607.3 (MANE Select); coding-DNA position 1042, G replaced by A.
Protein change: p.Glu348Lys; replaces glutamic acid 348 with lysine.
Molecular consequence: missense variant.
Genome position (GRCh38, 1-based): chr19:4,171,449, G>A. VCF-style: chr19-4171449-G-A. GRCh37 (hg19) VCF-style: chr19-4171446-G-A.
Other names: c.1039G>A, p.Glu347Lys (NM_001271995.2); c.1036G>A, p.Glu346Lys (NM_001271996.2); c.935G>A, p.Arg312Gln (NM_001271997.2); short protein forms E346K, E347K, E348K, R312Q.
Identifiers: ClinVar variation 3607219 (VCV003607219.2).

ClinVar aggregate classification (germline): Uncertain significance (1 of 4 stars; one submission).

gnomAD v4.1: 46 of 1,613,944 alleles (0.0029%); highest among the groups gnomAD compares: Middle Eastern, 0.016%; no homozygotes.

Submission:

Labcorp Genetics (formerly Invitae), Labcorp
Classification: Uncertain significance. Last evaluated: 2024-07-23. Review status: criteria provided, single submitter. Criteria: Invitae Variant Classification Sherloc (09022015). Collection method: clinical testing. Allele origin: germline.
Comment: This sequence change replaces glutamic acid, which is acidic and polar, with lysine, which is basic and polar, at codon 348 of the CREB3L3 protein (p.Glu348Lys). This variant is present in population databases (rs768348069, gnomAD 0.006%). This variant has not been reported in the literature in individuals affected with CREB3L3-related conditions. Advanced modeling of protein sequence and biophysical properties (such as structural, functional, and spatial information, amino acid conservation, physicochemical variation, residue mobility, and thermodynamic stability) performed at Invitae indicates that this missense variant is not expected to disrupt CREB3L3 protein function with a negative predictive value of 80%. In summary, the available evidence is currently insufficient to determine the role of this variant in disease. Therefore, it has been classified as a Variant of Uncertain Significance.